The following is an entry in ClinVar:

ClinVar aggregate classification (germline): Uncertain significance. Review status: criteria provided, multiple submitters, no conflicts (2 of 4 stars). 2 submissions from 2 submitters: Uncertain significance (2). Last evaluated 2024-11-18.

Conditions:
CEP164-related disorder. Also called: CEP164-related condition.
Nephronophthisis 15 (NPHP15). Identifiers: Orphanet 3156, MedGen C3541853, MONDO:0013917, OMIM 614845.

Allele frequency attached by ClinVar (database versions not stated): gnomAD 0.00001; TOPMed 0.00001.
gnomAD v4.1: 9 of 1,613,834 alleles (0.00056%); highest among the groups gnomAD compares: Admixed American, 0.012%; no homozygotes.

Submissions (2):

PreventionGenetics, part of Exact Sciences
Classification: Uncertain significance for CEP164-related condition. Last evaluated: 2024-11-18. Review status: criteria provided, single submitter. Criteria: ACMG Guidelines, 2015. Collection method: clinical testing. Allele origin: germline.
Comment: The CEP164 c.2198A>G variant is predicted to result in the amino acid substitution p.Glu733Gly. To our knowledge, this variant has not been reported in the literature. This variant is reported in 0.014% of alleles in individuals of Latino descent in gnomAD. At this time, the clinical significance of this variant is uncertain due to the absence of conclusive functional and genetic evidence.

Labcorp Genetics (formerly Invitae), Labcorp
Classification: Uncertain significance for Nephronophthisis 15. Last evaluated: 2023-11-06. Review status: criteria provided, single submitter. Criteria: Invitae Variant Classification Sherloc (09022015). Collection method: clinical testing. Allele origin: germline.
Comment: This sequence change replaces glutamic acid, which is acidic and polar, with glycine, which is neutral and non-polar, at codon 733 of the CEP164 protein (p.Glu733Gly). This variant is present in population databases (rs746693932, gnomAD 0.01%). This variant has not been reported in the literature in individuals affected with CEP164-related conditions. ClinVar contains an entry for this variant (Variation ID: 940447). Advanced modeling of protein sequence and biophysical properties (such as structural, functional, and spatial information, amino acid conservation, physicochemical variation, residue mobility, and thermodynamic stability) performed at Invitae indicates that this missense variant is not expected to disrupt CEP164 protein function with a negative predictive value of 80%. In summary, the available evidence is currently insufficient to determine the role of this variant in disease. Therefore, it has been classified as a Variant of Uncertain Significance.

NM_014956.5(CEP164):c.2198A>G (p.Glu733Gly)

Gene: CEP164 (centrosomal protein 164; plus strand). Cytogenetic location: 11q23.3.
Variant type: single nucleotide variant.
Coding change: c.2198A>G on transcript NM_014956.5 (MANE Select); coding-DNA position 2198, A replaced by G.
Protein change: p.Glu733Gly; replaces glutamic acid 733 with glycine.
Molecular consequence: missense variant.
Genome position (GRCh38, 1-based): chr11:117,391,130, A>G. VCF-style: chr11-117391130-A-G. GRCh37 (hg19) VCF-style: chr11-117261846-A-G.
Other names: c.2207A>G, p.Glu736Gly (NM_001271933.2); short protein forms E733G, E736G.
Identifiers: ClinVar variation 940447 (VCV000940447.6), dbSNP rs746693932, ClinGen allele CA6294988.